The following is an entry in ClinVar:

ClinVar aggregate classification (germline): Uncertain significance. Review status: criteria provided, multiple submitters, no conflicts (2 of 4 stars). 4 submissions from 4 submitters: Uncertain significance (4). Last evaluated 2025-11-10.

Conditions:
Hereditary cancer-predisposing syndrome. Also called: Hereditary Cancer Syndrome; Tumor predisposition; Hereditary neoplastic syndrome; Neoplastic Syndromes, Hereditary. Identifiers: Orphanet 140162, MedGen C0027672, MeSH D009386, MONDO:0015356.
Lynch syndrome. Identifiers: Orphanet 144, MedGen C4552100, MONDO:0005835. Disease mechanism: loss of function.
Hereditary nonpolyposis colorectal neoplasms. Identifiers: MedGen C0009405, MeSH D003123.

Allele frequency attached by ClinVar (database versions not stated): ExAC 0.00001; gnomAD 0.00001; gnomAD exomes 0.00001; 1000 Genomes Project 30x 0.00016; 1000 Genomes Project 0.00020.
gnomAD v4.1: 2 of 1,614,120 alleles (0.00012%); highest among the groups gnomAD compares: Admixed American, 0.0017%; no homozygotes.

Submissions (4):

Ambry Genetics
Classification: Uncertain significance for Hereditary cancer-predisposing syndrome. Last evaluated: 2025-11-10. Review status: criteria provided, single submitter. Criteria: Ambry Variant Classification Scheme 2023. Collection method: clinical testing. Allele origin: germline.
Comment: The p.T486I variant (also known as c.1457C>T), located in coding exon 4 of the MSH6 gene, results from a C to T substitution at nucleotide position 1457. The threonine at codon 486 is replaced by isoleucine, an amino acid with similar properties. This amino acid position is well conserved in available vertebrate species. In addition, the in silico prediction for this alteration is inconclusive. Since supporting evidence is limited at this time, the clinical significance of this alteration remains unclear.

Color Diagnostics, LLC DBA Color Health
Classification: Uncertain significance for Hereditary cancer-predisposing syndrome. Last evaluated: 2025-08-28. Review status: criteria provided, single submitter. Criteria: ACMG Guidelines, 2015. Collection method: clinical testing. Allele origin: germline.
Comment: This missense variant replaces threonine with isoleucine at codon 486 of the MSH6 protein. Computational prediction is inconclusive regarding the impact of this variant on protein structure and function. To our knowledge, functional studies have not been reported for this variant. This variant has not been reported in individuals affected with MSH6-related disorders in the literature. This variant has been identified in 2/251168 chromosomes in the general population by the Genome Aggregation Database (gnomAD). The available evidence is insufficient to determine the role of this variant in disease conclusively. Therefore, this variant is classified as a Variant of Uncertain Significance.

Labcorp Genetics (formerly Invitae), Labcorp
Classification: Uncertain significance for Hereditary nonpolyposis colorectal neoplasms. Last evaluated: 2023-09-26. Review status: criteria provided, single submitter. Criteria: Invitae Variant Classification Sherloc (09022015). Collection method: clinical testing. Allele origin: germline.
Comment: In summary, the available evidence is currently insufficient to determine the role of this variant in disease. Therefore, it has been classified as a Variant of Uncertain Significance. Advanced modeling of protein sequence and biophysical properties (such as structural, functional, and spatial information, amino acid conservation, physicochemical variation, residue mobility, and thermodynamic stability) has been performed at Invitae for this missense variant, however the output from this modeling did not meet the statistical confidence thresholds required to predict the impact of this variant on MSH6 protein function. This sequence change replaces threonine, which is neutral and polar, with isoleucine, which is neutral and non-polar, at codon 486 of the MSH6 protein (p.Thr486Ile). This variant is present in population databases (rs577713548, gnomAD 0.003%). This variant has not been reported in the literature in individuals affected with MSH6-related conditions. ClinVar contains an entry for this variant (Variation ID: 645807).

All of Us Research Program, National Institutes of Health
Classification: Uncertain significance for Lynch syndrome. Last evaluated: 2023-06-15. Review status: criteria provided, single submitter. Criteria: ACMG Guidelines, 2015. Collection method: clinical testing. Allele origin: germline. Inheritance: Autosomal dominant inheritance. Observed: 2 variant alleles, 2 heterozygotes.
Comment: This study involves interpretation of variants in research participants for the purpose of population health screening. Participant phenotype was not available at the time of variant classification. Additional details can be found in publication PMID: 35346344, PMCID: PMC8962531

NM_000179.3(MSH6):c.1457C>T (p.Thr486Ile)

Gene: MSH6 (mutS homolog 6; plus strand). Cytogenetic location: 2p16.3.
Variant type: single nucleotide variant.
Coding change: c.1457C>T on transcript NM_000179.3 (MANE Select); coding-DNA position 1457, C replaced by T.
Protein change: p.Thr486Ile; replaces threonine 486 with isoleucine.
Molecular consequence: missense variant.
Genome position (GRCh38, 1-based): chr2:47,799,440, C>T. VCF-style: chr2-47799440-C-T. GRCh37 (hg19) VCF-style: chr2-48026579-C-T.
Other names: c.1067C>T, p.Thr356Ile (NM_001281492.2); c.551C>T, p.Thr184Ile (NM_001281493.2, NM_001281494.2); short protein forms T184I, T356I, T486I.
Identifiers: ClinVar variation 645807 (VCV000645807.15), dbSNP rs577713548, ClinGen allele CA067675.